The following is an entry in ClinVar:

ClinVar aggregate classification (germline): Pathogenic. Review status: criteria provided, multiple submitters, no conflicts (2 of 4 stars). 4 submissions from 4 submitters: Pathogenic (4). Last evaluated 2024-12-18.

Conditions:
DICER1-related tumor predisposition. Also called: DICER1 syndrome; DICER1-related pleuropulmonary blastoma cancer predisposition syndrome. Identifiers: Orphanet 284343, MedGen C3839822, MONDO:0100216.
Hereditary cancer-predisposing syndrome. Also called: Tumor predisposition; Hereditary Cancer Syndrome; Neoplastic Syndromes, Hereditary; Hereditary neoplastic syndrome. Identifiers: Orphanet 140162, MedGen C0027672, MeSH D009386, MONDO:0015356.

Submissions (4):

Ambry Genetics
Classification: Pathogenic for Hereditary cancer-predisposing syndrome. Last evaluated: 2024-12-18. Review status: criteria provided, single submitter. Criteria: Ambry Variant Classification Scheme 2023. Collection method: clinical testing. Allele origin: germline.
Comment: The c.1684_1685delAT pathogenic mutation, located in coding exon 9 of the DICER1 gene, results from a deletion of two nucleotides at nucleotide positions 1684 to 1685, causing a translational frameshift with a predicted alternate stop codon (p.M562Vfs*11). This variant has been reported in multiple individuals diagnosed with pleuropulmonary blastoma (Hill DA et al. Science, 2009 Aug;325:965; Brenneman M et al. F1000Res, 2015 Jul;4:214). Of note, this alteration is also referred to as 1866-1867delAT in the literature. In addition to the clinical data presented in the literature, this alteration is expected to result in loss of function by premature protein truncation or nonsense-mediated mRNA decay. As such, this alteration is interpreted as a disease-causing mutation.

Foulkes Cancer Genetics LDI, Lady Davis Institute for Medical Research
Classification: Pathogenic for Pleuropulmonary blastoma. Last evaluated: 2019-07-01. Review status: criteria provided, single submitter. Criteria: ACMG Guidelines, 2015. Collection method: curation. Allele origin: germline. Affected: yes. Observed: 3 variant alleles.
Comment: ACMG criteria met: PVS1, PM2, PM7, PP4

Labcorp Genetics (formerly Invitae), Labcorp
Classification: Pathogenic for DICER1-related tumor predisposition. Last evaluated: 2018-12-09. Review status: criteria provided, single submitter. Criteria: Invitae Variant Classification Sherloc (09022015). Collection method: clinical testing. Allele origin: germline.
Comment: This sequence change creates a premature translational stop signal (p.Met562Valfs*11) in the DICER1 gene. It is expected to result in an absent or disrupted protein product. This variant is not present in population databases (ExAC no frequency). This variant has been observed in several individuals affected with pleuropulmonary blastoma (PMID: 19556464, 26925222). ClinVar contains an entry for this variant (Variation ID: 254290). Algorithms developed to predict the effect of sequence changes on RNA splicing suggest that this variant may create or strengthen a splice site, but this prediction has not been confirmed by published transcriptional studies. Loss-of-function variants in DICER1 are known to be pathogenic (PMID: 19556464, 21266384). For these reasons, this variant has been classified as Pathogenic.

International Pleuropulmonary Blastoma Registry, Children's Hospitals and Clinics of Minnesota
Classification: Pathogenic for Pleuropulmonary blastoma. Last evaluated: 2014-11-10. Review status: criteria provided, single submitter. Criteria: Hill et al. (Science. 2009). Collection method: clinical testing. Allele origin: germline. Affected: yes. Study: PPB-DICER1 Genetic study.

Literature cited by the submitters: PubMed 19556464 (cited by 3 submitters); PubMed 21266384 (cited by Ambry Genetics and Labcorp Genetics (formerly Invitae), Labcorp); PubMed 24909177 (cited by Ambry Genetics and Foulkes Cancer Genetics LDI, Lady Davis Institute for Medical Research); PubMed 25451712 (cited by Ambry Genetics); PubMed 25998712 (cited by Ambry Genetics); PubMed 26925222 (cited by 4 submitters); PubMed 29762508 (cited by Ambry Genetics).

NM_177438.3(DICER1):c.1684_1685del (p.Met562fs)

Gene: DICER1 (dicer 1, ribonuclease III; minus strand). Cytogenetic location: 14q32.13.
Variant type: Deletion.
Coding change: c.1684_1685del on transcript NM_177438.3 (MANE Select); coding-DNA positions 1684 to 1685, 2 bases deleted (AT; older notation c.1684_1685delAT).
Protein change: p.Met562fs; shifts the reading frame from methionine 562.
Molecular consequence: frameshift variant.
Genome position (GRCh38, 1-based): chr14:95,116,520-95,116,521, AT deleted on the plus strand (AT on the coding strand, the reverse complement: DICER1 is on the minus strand). VCF-style (leftmost placement, unchanged base first): chr14-95116519-CAT-C. GRCh37 (hg19) VCF-style: chr14-95582856-CAT-C.
Other names: c.1684_1685delAT (NM_177438.2); c.1684_1685del, p.Met562fs (NM_001195573.1, NM_001271282.3, NM_001291628.2 and 1 more transcripts); short protein forms M562fs.
Identifiers: ClinVar variation 254290 (VCV000254290.16), dbSNP rs886037674, ClinGen allele CA10586455.